The following is an entry in ClinVar:

NM_001830.4(CLCN4):c.662T>C (p.Leu221Pro)

Gene: CLCN4 (chloride voltage-gated channel 4; plus strand). Cytogenetic location: Xp22.2.
Variant type: single nucleotide variant.
Coding change: c.662T>C on transcript NM_001830.4 (MANE Select); coding-DNA position 662, T replaced by C.
Protein change: p.Leu221Pro; replaces leucine 221 with proline.
Molecular consequence: missense variant.
Genome position (GRCh38, 1-based): chrX:10,206,464, T>C. VCF-style: chrX-10206464-T-C. GRCh37 (hg19) VCF-style: chrX-10174504-T-C.
Other names: c.380T>C, p.Leu127Pro (NM_001256944.2); short protein forms L221P, L127P.
Identifiers: ClinVar variation 209112 (VCV000209112.2), dbSNP rs879255581, ClinGen allele CA10575777.

ClinVar aggregate classification (germline): Pathogenic (1 of 4 stars; one submission).

Conditions:
CLCN4-related disorder. Identifiers: MedGen CN232948.

Submission:

Sydney Children's Hospital, SCHN
Classification: Pathogenic for CLCN4-related disorder. Last evaluated: 2016-03-22. Review status: criteria provided, single submitter. Criteria: Submitter's publication. Collection method: clinical testing. Allele origin: de novo. Inheritance: Sporadic. Affected: yes. Observed: 1 variant allele, 1 heterozygote.
Comment: De novo variant. Clinical phenotype consistent with case series of individuals with CLCN4 related disorder.